The following is an entry in ClinVar:

NM_001211.6(BUB1B):c.2233A>T (p.Ile745Leu)

Gene: BUB1B (BUB1 mitotic checkpoint serine/threonine kinase B; plus strand). Cytogenetic location: 15q15.1.
Variant type: single nucleotide variant.
Coding change: c.2233A>T on transcript NM_001211.6 (MANE Select); coding-DNA position 2233, A replaced by T.
Protein change: p.Ile745Leu; replaces isoleucine 745 with leucine.
Molecular consequence: missense variant.
Genome position (GRCh38, 1-based): chr15:40,209,724, A>T. VCF-style: chr15-40209724-A-T. GRCh37 (hg19) VCF-style: chr15-40501925-A-T.
Other names: short protein forms I745L.
Identifiers: ClinVar variation 4216965 (VCV004216965.1).

ClinVar aggregate classification (germline): Uncertain significance (1 of 4 stars; one submission).

Conditions:
Inborn genetic diseases. Identifiers: MedGen C0950123, MeSH D030342.

Submission:

Ambry Genetics
Classification: Uncertain significance for Inborn genetic diseases. Last evaluated: 2025-08-19. Review status: criteria provided, single submitter. Criteria: Ambry Variant Classification Scheme 2023. Collection method: clinical testing. Allele origin: germline.
Comment: The p.I745L variant (also known as c.2233A>T), located in coding exon 17 of the BUB1B gene, results from an A to T substitution at nucleotide position 2233. The isoleucine at codon 745 is replaced by leucine, an amino acid with highly similar properties. This amino acid position is conserved. In addition, this alteration is predicted to be tolerated by in silico analysis. Based on the available evidence, the clinical significance of this variant remains unclear.